The following is an entry in ClinVar:

NM_000535.7(PMS2):c.540G>T (p.Glu180Asp)

Gene: PMS2 (PMS1 homolog 2, mismatch repair system component; minus strand). Cytogenetic location: 7p22.1.
Variant type: single nucleotide variant.
Coding change: c.540G>T on transcript NM_000535.7 (MANE Select); coding-DNA position 540, G replaced by T.
Protein change: p.Glu180Asp; replaces glutamic acid 180 with aspartic acid.
Molecular consequence: missense variant. On other transcripts: non-coding transcript variant (1), intron variant (3).
Genome position (GRCh38, 1-based): chr7:5,999,273, C>A on the plus strand (G>T on the coding strand, the complement: PMS2 is on the minus strand). VCF-style: chr7-5999273-C-A. GRCh37 (hg19) VCF-style: chr7-6038904-C-A.
Other names: c.135G>T, p.Glu45Asp (NM_001018040.1, NM_001322003.2, NM_001322004.2 and 22 more transcripts); c.540G>T, p.Glu180Asp (NM_001322006.2, NM_001322014.2, NM_001406869.1 and 5 more transcripts); c.222G>T, p.Glu74Asp (NM_001322007.2, NM_001322008.2, NM_001406876.1 and 4 more transcripts); c.231G>T, p.Glu77Asp (NM_001322015.2, NM_001406875.1, NM_001406877.1 and 6 more transcripts); c.726G>T, p.Glu242Asp (NM_001406866.1); c.564G>T, p.Glu188Asp (NM_001406868.1); c.133-1850G>T (NM_001322013.2); c.-347-47G>T (NM_001322012.2, NM_001322011.2); short protein forms E188D, E77D, E180D, E45D, E74D, E242D.
Identifiers: ClinVar variation 1747369 (VCV001747369.2), dbSNP rs1784832714, ClinGen allele CA366744132.

ClinVar aggregate classification (germline): Uncertain significance (1 of 4 stars; one submission).

Conditions:
Hereditary cancer-predisposing syndrome. Also called: Hereditary Cancer Syndrome; Neoplastic Syndromes, Hereditary; Tumor predisposition; Hereditary neoplastic syndrome. Identifiers: Orphanet 140162, MedGen C0027672, MeSH D009386, MONDO:0015356.

Submission:

Ambry Genetics
Classification: Uncertain significance for Hereditary cancer-predisposing syndrome. Last evaluated: 2020-06-30. Review status: criteria provided, single submitter. Criteria: Ambry Variant Classification Scheme 2023. Collection method: clinical testing. Allele origin: germline.
Comment: The p.E180D variant (also known as c.540G>T), located in coding exon 6 of the PMS2 gene, results from a G to T substitution at nucleotide position 540. The glutamic acid at codon 180 is replaced by aspartic acid, an amino acid with highly similar properties. This amino acid position is highly conserved in available vertebrate species. In addition, this alteration is predicted to be deleterious by in silico analysis. Since supporting evidence is limited at this time, the clinical significance of this alteration remains unclear.